The following is an entry in ClinVar:

NM_001351132.2(PEX5):c.17T>C (p.Leu6Pro)

Gene: PEX5 (peroxisomal biogenesis factor 5; plus strand). Cytogenetic location: 12p13.31.
Variant type: single nucleotide variant.
Coding change: c.17T>C on transcript NM_001351132.2 (MANE Select); coding-DNA position 17, T replaced by C.
Protein change: p.Leu6Pro; replaces leucine 6 with proline.
Molecular consequence: missense variant.
Genome position (GRCh38, 1-based): chr12:7,190,394, T>C. VCF-style: chr12-7190394-T-C. GRCh37 (hg19) VCF-style: chr12-7342990-T-C.
Other names: c.17T>C, p.Leu6Pro (NM_000319.5, NM_001131023.2, NM_001131024.2 and 22 more transcripts); c.17T>C (NM_001131025.1); short protein forms L6P.
Identifiers: ClinVar variation 1480673 (VCV001480673.4), dbSNP rs1245227342, ClinGen allele CA383707000.

ClinVar aggregate classification (germline): Uncertain significance. Review status: criteria provided, multiple submitters, no conflicts (2 of 4 stars). 2 submissions from 2 submitters: Uncertain significance (2). Last evaluated 2025-04-20.

Conditions:
Peroxisome biogenesis disorder 2B (PBD2B). Identifiers: Orphanet 44, MedGen C3550234, MONDO:0008736, OMIM 202370.
Inborn genetic diseases. Identifiers: MedGen C0950123, MeSH D030342.

Allele frequency attached by ClinVar (database versions not stated): gnomAD 0.00001; TOPMed below 0.00001.
gnomAD v4.1: 1 of 1,614,090 alleles (0.000062%); highest among the groups gnomAD compares: Non-Finnish European, 0.000085%; no homozygotes.

Submissions (2):

Ambry Genetics
Classification: Uncertain significance for Inborn genetic diseases. Last evaluated: 2025-04-20. Review status: criteria provided, single submitter. Criteria: Ambry Variant Classification Scheme 2023. Collection method: clinical testing. Allele origin: germline.

Labcorp Genetics (formerly Invitae), Labcorp
Classification: Uncertain significance for Peroxisome biogenesis disorder 2B. Last evaluated: 2022-03-25. Review status: criteria provided, single submitter. Criteria: Invitae Variant Classification Sherloc (09022015). Collection method: clinical testing. Allele origin: germline.
Comment: This sequence change replaces leucine, which is neutral and non-polar, with proline, which is neutral and non-polar, at codon 6 of the PEX5 protein (p.Leu6Pro). This variant is not present in population databases (gnomAD no frequency). This variant has not been reported in the literature in individuals affected with PEX5-related conditions. Algorithms developed to predict the effect of missense changes on protein structure and function are either unavailable or do not agree on the potential impact of this missense change (SIFT: "Tolerated"; PolyPhen-2: "Probably Damaging"; Align-GVGD: "Class C0"). In summary, the available evidence is currently insufficient to determine the role of this variant in disease. Therefore, it has been classified as a Variant of Uncertain Significance.